The following is an entry in ClinVar:

NM_000302.4(PLOD1):c.1546C>G (p.Leu516Val)

Gene: PLOD1 (procollagen-lysine,2-oxoglutarate 5-dioxygenase 1; plus strand). Cytogenetic location: 1p36.22.
Variant type: single nucleotide variant.
Coding change: c.1546C>G on transcript NM_000302.4 (MANE Select); coding-DNA position 1546, C replaced by G.
Protein change: p.Leu516Val; replaces leucine 516 with valine.
Molecular consequence: missense variant.
Genome position (GRCh38, 1-based): chr1:11,965,555, C>G. VCF-style: chr1-11965555-C-G. GRCh37 (hg19) VCF-style: chr1-12025612-C-G.
Other names: c.1687C>G, p.Leu563Val (NM_001316320.2); short protein forms L516V, L563V.
Identifiers: ClinVar variation 4862070 (VCV004862070.1).

ClinVar aggregate classification (germline): Uncertain significance (1 of 4 stars; one submission).

Conditions:
Familial thoracic aortic aneurysm and aortic dissection (TAAD). Also called: Thoracic aortic aneurysms and dissections. Identifiers: Orphanet 91387, MedGen C4707243, MONDO:0019625.

Submission:

Ambry Genetics
Classification: Uncertain significance for Familial thoracic aortic aneurysm and aortic dissection. Last evaluated: 2026-06-06. Review status: criteria provided, single submitter. Criteria: Ambry Variant Classification Scheme 2023. Collection method: clinical testing. Allele origin: germline.
Comment: The p.L516V variant (also known as c.1546C>G), located in coding exon 14 of the PLOD1 gene, results from a C to G substitution at nucleotide position 1546. The leucine at codon 516 is replaced by valine, an amino acid with highly similar properties. This amino acid position is conserved. In addition, the in silico prediction for this alteration is inconclusive. Based on the available evidence, the clinical significance of this variant remains unclear.